The following is an entry in ClinVar:

NM_139343.3(BIN1):c.1382C>T (p.Ala461Val)

Gene: BIN1 (bridging integrator 1; minus strand). Cytogenetic location: 2q14.3.
Variant type: single nucleotide variant.
Coding change: c.1382C>T on transcript NM_139343.3 (MANE Select); coding-DNA position 1382, C replaced by T.
Protein change: p.Ala461Val; replaces alanine 461 with valine.
Molecular consequence: missense variant. On other transcripts: intron variant (3).
Genome position (GRCh38, 1-based): chr2:127,051,233, G>A on the plus strand (C>T on the coding strand, the complement: BIN1 is on the minus strand). VCF-style: chr2-127051233-G-A. GRCh37 (hg19) VCF-style: chr2-127808809-G-A.
Other names: c.1301C>T, p.Ala434Val (NM_001320642.1); c.965C>T, p.Ala322Val (NM_004305.4); c.1253C>T, p.Ala418Val (NM_139344.3); c.1121C>T, p.Ala374Val (NM_139345.3); c.1094C>T, p.Ala365Val (NM_139346.3); c.1157C>T, p.Ala386Val (NM_139347.3); c.1049C>T, p.Ala350Val (NM_139348.3); c.1028C>T, p.Ala343Val (NM_139349.3); and 7 more; short protein forms A343V, A418V, A434V, A381V, A430V, A365V, A374V, A386V.
Identifiers: ClinVar variation 2906293 (VCV002906293.3), dbSNP rs2467170654, ClinGen allele CA348375645.

ClinVar aggregate classification (germline): Uncertain significance (1 of 4 stars; one submission).

Conditions:
Myopathy, centronuclear, 2 (CNM2). Also called: MYOTUBULAR MYOPATHY, AUTOSOMAL RECESSIVE. Identifiers: Orphanet 169186, MedGen CN031787, MONDO:0009709, OMIM 255200.

Submission:

Labcorp Genetics (formerly Invitae), Labcorp
Classification: Uncertain significance for Myopathy, centronuclear, 2. Last evaluated: 2023-12-27. Review status: criteria provided, single submitter. Criteria: Invitae Variant Classification Sherloc (09022015). Collection method: clinical testing. Allele origin: germline.
Comment: This sequence change replaces alanine, which is neutral and non-polar, with valine, which is neutral and non-polar, at codon 461 of the BIN1 protein (p.Ala461Val). This variant is not present in population databases (gnomAD no frequency). This variant has not been reported in the literature in individuals affected with BIN1-related conditions. Algorithms developed to predict the effect of missense changes on protein structure and function output the following: SIFT: "Not Available"; PolyPhen-2: "Benign"; Align-GVGD: "Not Available". The valine amino acid residue is found in multiple mammalian species, which suggests that this missense change does not adversely affect protein function. In summary, the available evidence is currently insufficient to determine the role of this variant in disease. Therefore, it has been classified as a Variant of Uncertain Significance.